The following is an entry in ClinVar:

NM_000890.5(KCNJ5):c.114C>A (p.Asp38Glu)

Gene: KCNJ5 (potassium inwardly rectifying channel subfamily J member 5; plus strand). Cytogenetic location: 11q24.3.
Variant type: single nucleotide variant.
Coding change: c.114C>A on transcript NM_000890.5 (MANE Select); coding-DNA position 114, C replaced by A.
Protein change: p.Asp38Glu; replaces aspartic acid 38 with glutamic acid.
Molecular consequence: missense variant.
Genome position (GRCh38, 1-based): chr11:128,911,387, C>A. VCF-style: chr11-128911387-C-A. GRCh37 (hg19) VCF-style: chr11-128781282-C-A.
Other names: c.114C>A, p.Asp38Glu (NM_001354169.2); short protein forms D38E.
Identifiers: ClinVar variation 4800644 (VCV004800644.1).

ClinVar aggregate classification (germline): Uncertain significance (1 of 4 stars; one submission).

Conditions:
Long QT syndrome (LQTS). Identifiers: MedGen C0023976, MeSH D008133, MONDO:0002442. Disease mechanism: loss of function. Inheritance: Various modes of inheritance.

Submission:

Labcorp Genetics (formerly Invitae), Labcorp
Classification: Uncertain significance for Long QT syndrome. Last evaluated: 2025-08-09. Review status: criteria provided, single submitter. Criteria: Invitae Variant Classification Sherloc (09022015). Collection method: clinical testing. Allele origin: germline.
Comment: This sequence change replaces aspartic acid, which is acidic and polar, with glutamic acid, which is acidic and polar, at codon 38 of the KCNJ5 protein (p.Asp38Glu). This variant is not present in population databases (gnomAD no frequency). This variant has not been reported in the literature in individuals affected with KCNJ5-related conditions. Invitae Evidence Modeling of protein sequence and biophysical properties (such as structural, functional, and spatial information, amino acid conservation, physicochemical variation, residue mobility, and thermodynamic stability) indicates that this missense variant is not expected to disrupt KCNJ5 protein function with a negative predictive value of 95%. In summary, the available evidence is currently insufficient to determine the role of this variant in disease. Therefore, it has been classified as a Variant of Uncertain Significance.